The following is an entry in ClinVar:

ClinVar aggregate classification (germline): Uncertain significance (1 of 4 stars; one submission).

Submission:

CeGaT Center for Human Genetics Tuebingen
Classification: Uncertain significance. Last evaluated: 2022-07-01. Review status: criteria provided, single submitter. Criteria: CeGaT Center For Human Genetics Tuebingen Variant Classification Criteria Version 2. Collection method: clinical testing. Allele origin: germline. Affected: yes. Observed: 1 variant allele.
Comment: BCOR: PM2

NM_001123385.2(BCOR):c.4943C>G (p.Pro1648Arg)

Gene: BCOR (BCL6 corepressor; minus strand). Cytogenetic location: Xp11.4.
Variant type: single nucleotide variant.
Coding change: c.4943C>G on transcript NM_001123385.2 (MANE Select); coding-DNA position 4943, C replaced by G.
Protein change: p.Pro1648Arg; replaces proline 1648 with arginine.
Molecular consequence: missense variant.
Genome position (GRCh38, 1-based): chrX:40,053,919, G>C on the plus strand (C>G on the coding strand, the complement: BCOR is on the minus strand). VCF-style: chrX-40053919-G-C. GRCh37 (hg19) VCF-style: chrX-39913172-G-C.
Other names: c.4841C>G, p.Pro1614Arg (NM_001123383.2, NM_017745.6); c.4787C>G, p.Pro1596Arg (NM_001123384.2); short protein forms P1596R, P1614R, P1648R.
Identifiers: ClinVar variation 2660305 (VCV002660305.24), dbSNP rs763651353, ClinGen allele CA412733760.